The following is an entry in ClinVar:

NM_000057.4(BLM):c.2755C>T (p.His919Tyr)

Gene: BLM (BLM RecQ like helicase; plus strand). Cytogenetic location: 15q26.1.
Variant type: single nucleotide variant.
Coding change: c.2755C>T on transcript NM_000057.4 (MANE Select); coding-DNA position 2755, C replaced by T.
Protein change: p.His919Tyr; replaces histidine 919 with tyrosine.
Molecular consequence: missense variant.
Genome position (GRCh38, 1-based): chr15:90,785,013, C>T. VCF-style: chr15-90785013-C-T. GRCh37 (hg19) VCF-style: chr15-91328243-C-T.
Other names: c.2755C>T, p.His919Tyr (NM_001287246.2, NM_001287247.2); c.1630C>T, p.His544Tyr (NM_001287248.2); short protein forms H544Y, H919Y.
Identifiers: ClinVar variation 1692052 (VCV001692052.4), dbSNP rs1284859576, ClinGen allele CA393846039.
Genomic context (GRCh38, chr15:90,785,013, plus strand): 5'-CGAGAATGTGACACCATGGCTGACACGTTACAGAGAGATGGGCTCGCTGCTCTTGCTTAC[C>T]ATGCTGGCCTCAGTGATTCTGCCAGAGATGAAGTGCAGCAGAAGTGGATTAATCAGGATG-3'
Protein context (NP_000048.1, residues 909-929): QRDGLAALAY[His919Tyr]AGLSDSARDE

ClinVar aggregate classification (germline): Uncertain significance. Review status: criteria provided, multiple submitters, no conflicts (2 of 4 stars). 2 submissions from 2 submitters: Uncertain significance (2). Last evaluated 2023-08-05.

Conditions:
Hereditary cancer-predisposing syndrome. Also called: Hereditary Cancer Syndrome; Hereditary neoplastic syndrome; Neoplastic Syndromes, Hereditary; Tumor predisposition. Identifiers: Orphanet 140162, MedGen C0027672, MeSH D009386, MONDO:0015356.

Allele frequency attached by ClinVar (database versions not stated): gnomAD exomes below 0.00001.
gnomAD v4.1: 2 of 1,614,130 alleles (0.00012%); highest among the groups gnomAD compares: South Asian, 0.0011%; no homozygotes.

Submissions (2):

Ambry Genetics
Classification: Uncertain significance for Hereditary cancer-predisposing syndrome. Last evaluated: 2023-08-05. Review status: criteria provided, single submitter. Criteria: Ambry Variant Classification Scheme 2023. Collection method: clinical testing. Allele origin: germline.
Comment: The p.H919Y variant (also known as c.2755C>T), located in coding exon 13 of the BLM gene, results from a C to T substitution at nucleotide position 2755. The histidine at codon 919 is replaced by tyrosine, an amino acid with similar properties. This amino acid position is highly conserved in available vertebrate species. In addition, this alteration is predicted to be deleterious by in silico analysis. Since supporting evidence is limited at this time, the clinical significance of this alteration remains unclear.

Sema4
Classification: Uncertain significance for Hereditary cancer-predisposing syndrome. Last evaluated: 2021-06-03. Review status: criteria provided, single submitter. Criteria: Sema4 Curation Guidelines. Collection method: curation. Allele origin: germline.
Comment: The BLM c.2755C>T (c.2755C>T) variant has not been reported in the literature to our knowledge. It was observed in 1/30614 chromosomes of the South Asian subpopulation in the large and broad cohorts of the Genome Aggregation Database (PMID: 32461654). The variant has not been reported in ClinVar. In silico tools suggest the impact of the variant on protein function is deleterious, though these predictions have not been confirmed by functional studies. The evidence is insufficient to meet ACMG/AMP criteria for classifying the variant as benign or pathogenic. Thus, the clinical significance of this variant is currently uncertain.